The following is an entry in ClinVar:

ClinVar aggregate classification (germline): Uncertain significance. Review status: criteria provided, multiple submitters, no conflicts (2 of 4 stars). 7 submissions from 7 submitters: Uncertain significance (6). 1 of the submissions does not count toward it. Last evaluated 2025-10-22.

Conditions:
Galactosylceramide beta-galactosidase deficiency. Also called: Krabbe Disease; Leukodystrophy, Globoid Cell; GALACTOCEREBROSIDASE DEFICIENCY; GALC DEFICIENCY; GLOBOID CELL LEUKOENCEPHALOPATHY. Identifiers: Orphanet 487, MedGen C0023521, MONDO:0009499, OMIM 245200.

Allele frequency attached by ClinVar (database versions not stated): TOPMed 0.00002; gnomAD exomes 0.00003 and 0.00004; gnomAD 0.00004; ExAC 0.00006.

Submissions (7):

Mayo Clinic Laboratories, Mayo Clinic
Classification: Uncertain significance. Last evaluated: 2025-10-22. Review status: criteria provided, single submitter. Criteria: ACMG Guidelines, 2015. Collection method: clinical testing. Allele origin: germline. Observed: 1 variant allele.
Comment: PP3_moderate

Labcorp Genetics (formerly Invitae), Labcorp
Classification: Uncertain significance for Galactosylceramide beta-galactosidase deficiency. Last evaluated: 2024-08-13. Review status: criteria provided, single submitter. Criteria: Invitae Variant Classification Sherloc (09022015). Collection method: clinical testing. Allele origin: germline.
Comment: This sequence change replaces glutamic acid, which is acidic and polar, with lysine, which is basic and polar, at codon 76 of the GALC protein (p.Glu76Lys). This variant is present in population databases (rs778447883, gnomAD 0.009%). This missense change has been observed in individual(s) with GALC-related conditions (PMID: 26795590). This variant is also known as p.Glu60Lys. ClinVar contains an entry for this variant (Variation ID: 381334). Advanced modeling of protein sequence and biophysical properties (such as structural, functional, and spatial information, amino acid conservation, physicochemical variation, residue mobility, and thermodynamic stability) performed at Invitae indicates that this missense variant is expected to disrupt GALC protein function with a positive predictive value of 95%. Experimental studies are conflicting or provide insufficient evidence to determine the effect of this variant on GALC function (PMID: 27638593). In summary, the available evidence is currently insufficient to determine the role of this variant in disease. Therefore, it has been classified as a Variant of Uncertain Significance.

Women's Health and Genetics/Laboratory Corporation of America, LabCorp
Classification: Uncertain significance. Last evaluated: 2024-01-23. Review status: criteria provided, single submitter. Criteria: LabCorp Variant Classification Summary - May 2015. Collection method: clinical testing. Allele origin: germline.
Comment: Variant summary: GALC c.226G>A (p.Glu76Lys) results in a conservative amino acid change located in the glycosyl hydrolase family 59, catalytic domain (IPR049161) of the encoded protein sequence. Four of five in-silico tools predict a damaging effect of the variant on protein function. The variant allele was found at a frequency of 4.4e-05 in 249172 control chromosomes (gnomAD). This frequency is not significantly higher than estimated for a pathogenic variant in GALC causing Krabbe Disease (4.4e-05 vs 0.0022), allowing no conclusion about variant significance. c.226G>A has been reported in the literature in 3 alleles from individuals who screened positive for Krabbe disease through a newborn screening program and were referred for confirmatory testing, although followup diagnostic testing information was only reported for one individual who was classified as low risk (Orsini_2016). This report does not provide unequivocal conclusions about association of the variant with Krabbe Disease. At least one publication reports experimental evidence evaluating an impact on protein function in vitro and found the variant results in approximately 75% of normal activity (Saavedra-Martiz_2016). The following publications have been ascertained in the context of this evaluation (PMID: 26795590, 27638593). ClinVar contains an entry for this variant (Variation ID: 381334). Based on the evidence outlined above, the variant was classified as uncertain significance.

MGZ Medical Genetics Center
Classification: Uncertain significance for Galactosylceramide beta-galactosidase deficiency. Last evaluated: 2022-06-30. Review status: criteria provided, single submitter. Criteria: ACMG Guidelines, 2015. Collection method: clinical testing. Allele origin: germline. Affected: yes. Observed: 2 variant alleles.
Comment: ACMG criteria applied: PM1, PM2_SUP, PP2, PP3

GeneDx
Classification: Uncertain significance. Last evaluated: 2019-11-01. Review status: criteria provided, single submitter. Criteria: GeneDx Variant Classification Process June 2021. Collection method: clinical testing. Allele origin: germline. Affected: yes.
Comment: Not observed at a significant frequency in large population cohorts (Lek et al., 2016); In silico analysis, which includes protein predictors and evolutionary conservation, supports a deleterious effect; Observed in 3 alleles among 348 infants with low GALC activity detected by New York state newborn screening; however, clinical and segregation information was not provided (Orsini et al., 2016); Published functional study showed E76K, reported as E60K using alternature nomenclature, displayed only a mild reduction in enzyme activity compared to wild type (Saavedra-Matiz et al., 2016); This variant is associated with the following publications: (PMID: 26795590, 27638593)

Fulgent Genetics
Classification: Uncertain significance for Galactosylceramide beta-galactosidase deficiency. Last evaluated: 2018-10-31. Review status: criteria provided, single submitter. Criteria: ACMG Guidelines, 2015. Collection method: clinical testing. Allele origin: unknown.

Natera, Inc.
Classification: Uncertain significance for Galactosylceramide beta-galactosidase deficiency. Last evaluated: 2020-09-16. Review status: no assertion criteria provided. Collection method: clinical testing. Allele origin: germline. Not counted in ClinVar's aggregate classification.

Literature cited by the submitters: PubMed 26795590 (cited by 3 submitters); PubMed 27638593 (cited by 3 submitters).

NM_000153.4(GALC):c.226G>A (p.Glu76Lys)

Gene: GALC (galactosylceramidase; minus strand). Cytogenetic location: 14q31.3.
Variant type: single nucleotide variant.
Coding change: c.226G>A on transcript NM_000153.4 (MANE Select); coding-DNA position 226, G replaced by A.
Protein change: p.Glu76Lys; replaces glutamic acid 76 with lysine.
Molecular consequence: missense variant. On other transcripts: intron variant (1).
Genome position (GRCh38, 1-based): chr14:87,988,493, C>T on the plus strand (G>A on the coding strand, the complement: GALC is on the minus strand). VCF-style: chr14-87988493-C-T. GRCh37 (hg19) VCF-style: chr14-88454837-C-T.
Other names: p.Glu76Lys; c.148G>A, p.Glu50Lys (NM_001201402.2); c.196-286G>A (NM_001201401.2); short protein forms E76K, E50K.
Identifiers: ClinVar variation 381334 (VCV000381334.12), dbSNP rs778447883, ClinGen allele CA7297459.